The following is an entry in ClinVar:

ClinVar aggregate classification (germline): Pathogenic/Likely pathogenic. Review status: criteria provided, multiple submitters, no conflicts (2 of 4 stars). 2 submissions from 2 submitters: Pathogenic (1); Likely pathogenic (1). Last evaluated 2023-06-01.

Conditions:
Seizures, benign familial infantile, 2 (BFIS2). Also called: CONVULSIONS, BENIGN FAMILIAL INFANTILE, 2. Identifiers: Orphanet 306, MedGen C1853995, MONDO:0011593, OMIM 605751.
Episodic kinesigenic dyskinesia 1 (EKD1). Also called: DYSTONIA, FAMILIAL PAROXYSMAL; PAROXYSMAL KINESIGENIC CHOREOATHETOSIS; Dystonia 10; PRRT2-Related Paroxysmal Kinesigenic Dyskinesia (PKD); PxMD-PRRT2. Identifiers: Orphanet 98809, MedGen C4552000, MONDO:0100352, OMIM 128200, MONDO:0007494.
Infantile convulsions and choreoathetosis (ICCA). Also called: PAROXYSMAL KINESIGENIC DYSKINESIA WITH INFANTILE CONVULSIONS; PRRT2-Related Paroxysmal Kinesigenic Dyskinesia with Infantile Convulsions (PKD/IC). Identifiers: Orphanet 31709, MedGen C1865926, MONDO:0011178, OMIM 602066.

Submissions (2):

GeneDx
Classification: Pathogenic. Last evaluated: 2023-06-01. Review status: criteria provided, single submitter. Criteria: GeneDx Variant Classification Process June 2021. Collection method: clinical testing. Allele origin: germline. Affected: yes.
Comment: Frameshift variant predicted to result in protein truncation or nonsense-mediated decay in a gene for which loss-of-function is a known mechanism of disease; Not observed at significant frequency in large population cohorts (gnomAD); This variant is associated with the following publications: (PMID: Parketal2019[article])

Juno Genomics, Hangzhou Juno Genomics, Inc
Classification: Likely pathogenic for Infantile convulsions and choreoathetosis; Episodic kinesigenic dyskinesia 1; Seizures, benign familial infantile, 2. Review status: criteria provided, single submitter. Criteria: ACMG Guidelines, 2015. Collection method: clinical testing. Allele origin: germline.
Comment: Null variant in a gene where loss of function (LOF) is a known mechanism of disease.;Absent from controls (or at extremely low frequency if recessive) in Genome Aggregation Database.

NM_145239.3(PRRT2):c.640delinsCC (p.Ala214fs)

Genes: MVP-DT (MVP divergent transcript; minus strand), PRRT2 (proline rich transmembrane protein 2; plus strand). Cytogenetic location: 16p11.2.
Variant type: Indel.
Coding change: c.640delinsCC on transcript NM_145239.3 (MANE Select); coding-DNA position 640, G replaced by CC.
Protein change: p.Ala214fs; shifts the reading frame from alanine 214.
Molecular consequence: frameshift variant.
Genome position (GRCh38, 1-based): chr16:29,813,694, G replaced by CC. VCF-style: chr16-29813694-G-CC. GRCh37 (hg19) VCF-style: chr16-29825015-G-CC.
Other names: c.640delinsCC, p.Ala214fs (NM_001256442.2, NM_001256443.2); short protein forms A214fs.
Identifiers: ClinVar variation 2504178 (VCV002504178.4), dbSNP rs2466344219, ClinGen allele CA2580612733.
Genomic context (GRCh38, chr16:29,813,694, plus strand): 5'-GAGGGCCCAGCCCCTGAGCCTCACTCACCACCCTCAAAAAAATCCCCCCCAGCCAATGGG[G>CC]CCCCCCCCCGAGTGCTGCAGCAGCTGGTTGAGGAGGATCGAATGAGAAGGGCACACAGTG-3'